The following is an entry in ClinVar:

ClinVar aggregate classification (germline): Pathogenic. Review status: reviewed by expert panel (3 of 4 stars). 16 submissions from 16 submitters: Pathogenic (1). 15 of the submissions do not count toward it. Last evaluated 2016-04-22.

Conditions:
Breast and/or ovarian cancer. Identifiers: MedGen CN221562.
Hereditary cancer-predisposing syndrome. Also called: Tumor predisposition; Neoplastic Syndromes, Hereditary; Hereditary Cancer Syndrome; Hereditary neoplastic syndrome. Identifiers: Orphanet 140162, MedGen C0027672, MeSH D009386, MONDO:0015356.
Hereditary breast ovarian cancer syndrome. Also called: Hereditary breast and ovarian cancer syndrome (HBOC); Hereditary breast and ovarian cancer syndrome; Hereditary breast and ovarian cancer; Hereditary breast and/or ovarian cancer syndrome; Breast and ovarian cancer; BRCA1- and BRCA2-Associated Hereditary Breast and Ovarian Cancer. Identifiers: Orphanet 145, MedGen C0677776, MeSH D061325, MONDO:0003582. Disease mechanism: loss of function.
Breast-ovarian cancer, familial, susceptibility to, 1 (BROVCA1). Also called: OVARIAN CANCER, SUSCEPTIBILITY TO; BRCA1 Hereditary Breast and Ovarian Cancer. Identifiers: Orphanet 145, MedGen C2676676, MONDO:0011450, OMIM 604370. Disease mechanism: loss of function.
Malignant tumor of breast. Also called: Malignant breast neoplasm; Cancer breast. Identifiers: MedGen C0006142, MONDO:0007254. Disease mechanism: loss of function.

Submissions 1 to 8 of 16:

Evidence-based Network for the Interpretation of Germline Mutant Alleles (ENIGMA)
Classification: Pathogenic for Breast-ovarian cancer, familial, susceptibility to, 1. Last evaluated: 2016-04-22. Review status: reviewed by expert panel. Criteria: ENIGMA BRCA1/2 Classification Criteria (2015). Collection method: curation. Allele origin: germline.
Comment: Variant allele predicted to encode a truncated non-functional protein.

Labcorp Genetics (formerly Invitae), Labcorp
Classification: Pathogenic for Hereditary breast ovarian cancer syndrome. Last evaluated: 2025-08-31. Review status: criteria provided, single submitter. Criteria: Invitae Variant Classification Sherloc (09022015). Collection method: clinical testing. Allele origin: germline. Not counted in ClinVar's aggregate classification.
Comment: This sequence change creates a premature translational stop signal (p.Ser945Thrfs*6) in the BRCA1 gene. It is expected to result in an absent or disrupted protein product. Loss-of-function variants in BRCA1 are known to be pathogenic (PMID: 20104584). Information on the frequency of this variant in the gnomAD database is not available, as this variant may be reported differently in the database. This premature translational stop signal has been observed in individual(s) with breast and ovarian cancer from the French-Canadian population (PMID: 8933332, 16905680, 21324516, 23621881, 25884701). This variant is also known as 2953del3+C and 2953delGTAinsC. ClinVar contains an entry for this variant (Variation ID: 54694). For these reasons, this variant has been classified as Pathogenic.

Dasa
Classification: Pathogenic for Breast-ovarian cancer, familial, susceptibility to, 1. Last evaluated: 2025-04-01. Review status: criteria provided, single submitter. Criteria: DASA Assertion Criteria. Collection method: clinical testing. Allele origin: germline. Observed: 1 variant allele. Not counted in ClinVar's aggregate classification.
Comment: NM_007294.4(BRCA1):c.2834_2836delinsC (p.Ser945Thrfs6) introduces a frameshift resulting in a premature termination codon. Loss-of-function is an established mechanism of disease for this gene. This variant has been reported in individuals with hereditary breast and ovarian cancer and is present at low frequency in population datasets. Based on the available data, this variant is classified as Pathogenic.

Helix
Classification: Pathogenic for Breast-ovarian cancer, familial, susceptibility to, 1. Last evaluated: 2025-03-14. Review status: criteria provided, single submitter. Criteria: ACMG Guidelines, 2015. Collection method: clinical testing. Allele origin: germline. Inheritance: Autosomal dominant inheritance. Not counted in ClinVar's aggregate classification.
Comment: This variant (NM_007294.4:c.2834_2836delinsC p.Ser945ThrfsTer6) results in the creation of a premature stop codon in the BRCA1 gene. This variant is also known as 2953delGTAinsC, 2953del3+C. It is predicted to result in nonsense-mediated mRNA decay or in the production of a truncated protein, leading to loss-of-function (LOF). LOF variants in this gene are known to be deleterious (PMID: 20104584, 20301575). It is present in the gnomAD population database (v4.1) at the highest allele frequency in the European (non-Finnish) subpopulation among non-founder subpopulations (3/1180012 alleles, 0.0002542%). This variant has been reported in individual(s) with a personal and/or family history of BRCA1-related conditions (PMID: 8933332, 9792861, 10686936, 15382066, 16905680, 21324516, 23621881, 24333842, 25884701). Additionally, this variant has been described as a founder variant in the French Canadian subpopulation (PMID: 25884701). This variant is present in ClinVar (Accession: VCV000054694.28). In conclusion, this variant has been classified as Pathogenic.

Ambry Genetics
Classification: Pathogenic for Hereditary cancer-predisposing syndrome. Last evaluated: 2024-10-23. Review status: criteria provided, single submitter. Criteria: Ambry Variant Classification Scheme 2023. Collection method: clinical testing. Allele origin: germline. Not counted in ClinVar's aggregate classification.
Comment: The c.2834_2836delGTAinsC pathogenic mutation, located in coding exon 9 of the BRCA1 gene, results from the deletion of 3 nucleotides and insertion of one nucleotide causing a translational frameshift with a predicted alternate stop codon (p.S945Tfs*6). This alteration has been recognized as a founder mutation in the French Canadian population, having been identified in multiple individuals and families of French Canadian descent with hereditary breast and/or ovarian cancer (Durocher F et al. J Med Genet 1996 Oct;33(10):814-9; Tonin PN et al. Am J Hum Genet, 1998 Nov;63:1341-51; Oros KK et al. Int. J. Cancer 2004 Nov;112(3):411-9; Ghadirian P et al. Clin Genet 2014 Jan;85(1):31-5; Belanger MH et al. J Ovarian Res 2015;8(1):1). Of note, this alteration is also designated as 2953delGTAinsC in published literature. This variant is considered to be rare based on population cohorts in the Genome Aggregation Database (gnomAD). In addition to the clinical data presented in the literature, this alteration is expected to result in loss of function by premature protein truncation or nonsense-mediated mRNA decay. As such, this alteration is interpreted as a disease-causing mutation.

CHEO Genetics Diagnostic Laboratory, Children's Hospital of Eastern Ontario
Classification: Pathogenic for Breast and/or ovarian cancer. Last evaluated: 2022-10-28. Review status: criteria provided, single submitter. Criteria: ACMG Guidelines, 2015. Collection method: clinical testing. Allele origin: germline. Not counted in ClinVar's aggregate classification.

Color Diagnostics, LLC DBA Color Health
Classification: Pathogenic for Hereditary cancer-predisposing syndrome. Last evaluated: 2022-04-04. Review status: criteria provided, single submitter. Criteria: ACMG Guidelines, 2015. Collection method: clinical testing. Allele origin: germline. Not counted in ClinVar's aggregate classification.
Comment: This variant replaces 3 nucleotides in exon 10 of the BRCA1 gene with 1 new nucleotide, creating a frameshift and premature translation stop signal. This variant is expected to result in an absent or non-functional protein product. This variant has been reported in individuals and families affected with breast and/or ovarian cancer, and is common in the French-Canadian population (PMID: 8933332, 9792861, 10686936, 15382066, 16905680, 21324516, 23621881, 24333842, 25884701). This variant has been identified in 24 families among the CIMBA participants (PMID: 29446198). In a large breast cancer case-control study, this variant has been observed in 0/60466 cases and 1/53460 controls (PMID: 33471991). This variant has not been identified in the general population by the Genome Aggregation Database (gnomAD). Loss of BRCA1 function is a known mechanism of disease. Based on the available evidence, this variant is classified as Pathogenic.

GeneDx
Classification: Pathogenic. Last evaluated: 2020-08-10. Review status: criteria provided, single submitter. Criteria: GeneDx Variant Classification Process June 2021. Collection method: clinical testing. Allele origin: germline. Affected: yes. Not counted in ClinVar's aggregate classification.
Comment: Frameshift variant predicted to result in protein truncation or nonsense mediated decay in a gene for which loss-of-function is a known mechanism of disease; Identified in patients with a personal or family history consistent with pathogenic variants in this gene, and is common in the French Canadian population (Durocher 1996, Tonin 1998, Oros 2004, Simard 2007, Ghadirian 2014); Not observed in large population cohorts (Lek 2016); Truncating variants in this gene are considered pathogenic by a well-established clinical consortium and/or database; Also known as 2953_2955delGTAinsC; This variant is associated with the following publications: (PMID: 21947752, 8933332, 21324516, 25884701, 15382066, 16905680, 23621881, 9792861, 10422801, 23302520, 24950059, 26941049, 29907814, 30322717, 32300229, 32719484)

NM_007294.4(BRCA1):c.2834_2836delinsC (p.Ser945fs)

Gene: BRCA1 (BRCA1 DNA repair associated; minus strand). Cytogenetic location: 17q21.31.
Variant type: Indel.
Coding change: c.2834_2836delinsC on transcript NM_007294.4 (MANE Select); coding-DNA positions 2834 to 2836, GTA replaced by C.
Protein change: p.Ser945fs; shifts the reading frame from serine 945.
Molecular consequence: frameshift variant. On other transcripts: intron variant (137).
Genome position (GRCh38, 1-based): chr17:43,092,695-43,092,697, TAC replaced by G on the plus strand (GTA replaced by C on the coding strand, the reverse complement: BRCA1 is on the minus strand). VCF-style: chr17-43092695-TAC-G. GRCh37 (hg19) VCF-style: chr17-41244712-TAC-G.
Other names: 2953delGTAinsC; c.2498_2500delinsC, p.Ser833fs (NM_001407954.1, NM_001407955.1, NM_001407956.1 and 1 more transcripts); c.2501_2503delinsC, p.Ser834fs (NM_001407957.1, NM_001407946.1, NM_001407947.1 and 6 more transcripts); c.2453_2455delinsC, p.Ser818fs (NM_001407959.1, NM_001407960.1, NM_001407963.1); c.2450_2452delinsC, p.Ser817fs (NM_001407962.1); c.2690_2692delinsC, p.Ser897fs (NM_001407964.1, NM_001407740.1, NM_001407741.1 and 20 more transcripts); c.2330_2332delinsC, p.Ser777fs (NM_001407965.1); c.1946_1948delinsC, p.Ser649fs (NM_001407966.1, NM_001407967.1); and 42 more; short protein forms S898fs, S945fs, S817fs, S818fs, S857fs, S875fs, S897fs, S919fs.
Identifiers: ClinVar variation 54694 (VCV000054694.32), dbSNP rs386134270, ClinGen allele CA001852.
Genomic context (GRCh38, chr17:43,092,695, plus strand): 5'-TGAGTCCAGTTTCGTTGCCTCTGAACTGAGATGATAGACAAAACCTAGAGCCTCCTTTGA[TAC>G]TACATTTGGCATTATCAACTGGCTTATCTTTCTGACCAACCACAGGAAAGCCTGCAGTGA-3'